The following is an entry in ClinVar:

ClinVar aggregate classification (germline): Uncertain significance. Review status: criteria provided, single submitter (1 of 4 stars). 2 submissions from 2 submitters: Uncertain significance (1). 1 of the submissions does not count toward it. Last evaluated 2016-05-02.

Conditions:
Autosomal recessive nonsyndromic hearing loss 77. Identifiers: Orphanet 90636, MedGen C2746083, MONDO:0013119, OMIM 613079.

Allele frequency attached by ClinVar (database versions not stated): gnomAD 0.00001; TOPMed 0.00002; ExAC 0.00005.
gnomAD v4.1: 58 of 1,551,552 alleles (0.0037%); highest among the groups gnomAD compares: East Asian, 0.0049%; no homozygotes.

Submissions (2):

Laboratory for Molecular Medicine, Mass General Brigham Personalized Medicine
Classification: Uncertain significance. Last evaluated: 2016-05-02. Review status: criteria provided, single submitter. Criteria: LMM Criteria. Collection method: clinical testing. Allele origin: germline. Observed: 1 variant allele.
Comment: The p.Gly1710Arg variant in LOXHD1 has not been previously reported in individua ls with hearing loss and data from large population studies are insufficient to assess the frequency of this variant in the general population. Computational pr ediction tools and conservation analysis suggest that the p.Gly1710Arg variant m ay impact the protein, though this information is not predictive enough to deter mine pathogenicity. In summary, the clinical significance of the p.Gly1710Arg va riant is uncertain.

Natera, Inc.
Classification: Uncertain significance for Autosomal recessive deafness type 77. Last evaluated: 2019-10-28. Review status: no assertion criteria provided. Collection method: clinical testing. Allele origin: germline. Not counted in ClinVar's aggregate classification.

NM_001384474.1(LOXHD1):c.5314G>A (p.Gly1772Arg)

Gene: LOXHD1 (lipoxygenase homology PLAT domains 1; minus strand). Cytogenetic location: 18q21.1.
Variant type: single nucleotide variant.
Coding change: c.5314G>A on transcript NM_001384474.1 (MANE Select); coding-DNA position 5314, G replaced by A.
Protein change: p.Gly1772Arg; replaces glycine 1772 with arginine.
Molecular consequence: missense variant.
Genome position (GRCh38, 1-based): chr18:46,518,214, C>T on the plus strand (G>A on the coding strand, the complement: LOXHD1 is on the minus strand). VCF-style: chr18-46518214-C-T. GRCh37 (hg19) VCF-style: chr18-44098177-C-T.
Other names: c.1981G>A, p.Gly661Arg (NM_001145472.3); c.31G>A, p.Gly11Arg (NM_001145473.3, NM_001173129.2); c.1693G>A, p.Gly565Arg (NM_001308013.2); c.5128G>A, p.Gly1710Arg (NM_144612.7); short protein forms G1710R, G661R, G11R, G565R, G1772R.
Identifiers: ClinVar variation 504998 (VCV000504998.5), dbSNP rs775186197, ClinGen allele CA8952214.
Genomic context (GRCh38, chr18:46,518,214, plus strand): 5'-TCTCCTCTGTGCTCCCGTTGATGCCGTAGAGGGTCATGAAGATGTTGGAGTCAGTGCCCC[C>T]GCCAACCACATCCCCTGTCCACACCGTCATTTCATAGAGAACCTGCCATGAGAGGAATGC-3'
Protein context (NP_001371403.1, residues 1762-1782): MTVWTGDVVG[Gly1772Arg]GTDSNIFMTL